The following is an entry in ClinVar:

NM_003359.4(UGDH):c.421C>T (p.Arg141Cys)

Gene: UGDH (UDP-glucose 6-dehydrogenase; minus strand). Cytogenetic location: 4p14.
Variant type: single nucleotide variant.
Coding change: c.421C>T on transcript NM_003359.4 (MANE Select); coding-DNA position 421, C replaced by T.
Protein change: p.Arg141Cys; replaces arginine 141 with cysteine.
Molecular consequence: missense variant. On other transcripts: intron variant (1).
Genome position (GRCh38, 1-based): chr4:39,510,705, G>A on the plus strand (C>T on the coding strand, the complement: UGDH is on the minus strand). VCF-style: chr4-39510705-G-A. GRCh37 (hg19) VCF-style: chr4-39512325-G-A.
Other names: c.130C>T, p.Arg44Cys (NM_001184701.2); c.265-155C>T (NM_001184700.2); c.421C>T (NM_003359.3); short protein forms R141C, R44C.
Identifiers: ClinVar variation 1686357 (VCV001686357.4), dbSNP rs115137663, ClinGen allele CA2895153.
Genomic context (GRCh38, chr4:39,510,705, plus strand): 5'-GCTTCATTTTTTATACCTGTAAATTCAAGTTGGGTTTTGTGTTTGCATCAAATATGCGAC[G>A]GATACTTTCTGCTGCCCGCACTGGAACTGTGCTTTTCTCAGTCACAATTTTGTACCCATT-3'
Protein context (NP_003350.1, residues 131-151): TVPVRAAESI[Arg141Cys]RIFDANTKPN

ClinVar aggregate classification (germline): Benign/Likely benign. Review status: criteria provided, multiple submitters, no conflicts (2 of 4 stars). 3 submissions from 3 submitters: Benign (1); Likely benign (1). 1 of the submissions does not count toward it. Last evaluated 2022-05-04.

Conditions:
UGDH-related disorder. Also called: UGDH-related condition.

Allele frequency attached by ClinVar (database versions not stated): gnomAD exomes 0.00059 and 0.00150; ExAC 0.00189; gnomAD 0.00512 and 0.00554; TOPMed 0.00593; 1000 Genomes Project 0.00599; 1000 Genomes Project 30x 0.00609; ESP Exome Variant Server 0.00700.

Submissions (3):

Mendelics
Classification: Benign. Last evaluated: 2022-05-04. Review status: criteria provided, single submitter. Criteria: Mendelics Assertion Criteria 2019. Collection method: clinical testing. Allele origin: germline.

Breakthrough Genomics
Classification: Likely benign. Review status: criteria provided, single submitter. Criteria: ACMG Guidelines, 2015. Collection method: not provided. Allele origin: germline. Inheritance: Autosomal recessive inheritance. Affected: yes.

PreventionGenetics, part of Exact Sciences
Classification: Benign for UGDH-related condition. Last evaluated: 2022-12-20. Review status: no assertion criteria provided. Collection method: clinical testing. Allele origin: germline. Not counted in ClinVar's aggregate classification.
Comment: This variant is classified as benign based on ACMG/AMP sequence variant interpretation guidelines (Richards et al. 2015 PMID: 25741868, with internal and published modifications).